The following is an entry in ClinVar:

NM_058246.4(DNAJB6):c.692-70C>T

Gene: DNAJB6 (DnaJ heat shock protein family (Hsp40) member B6; plus strand). Cytogenetic location: 7q36.3.
Variant type: single nucleotide variant.
Coding change: c.692-70C>T on transcript NM_058246.4 (MANE Select); 70 bases into the intron before coding-DNA position 692, C replaced by T.
Molecular consequence: intron variant.
Genome position (GRCh38, 1-based): chr7:157,409,725, C>T. VCF-style: chr7-157409725-C-T. GRCh37 (hg19) VCF-style: chr7-157202419-C-T.
Other names: c.347-70C>T (NM_001363676.1).
Identifiers: ClinVar variation 677458 (VCV000677458.2), dbSNP rs139475222, ClinGen allele CA12527678.

ClinVar aggregate classification (germline): Likely benign. Review status: criteria provided, multiple submitters, no conflicts (2 of 4 stars). 2 submissions from 2 submitters: Likely benign (2). Last evaluated 2018-06-19.

Allele frequency attached by ClinVar (database versions not stated): 1000 Genomes Project 30x 0.00453; 1000 Genomes Project 0.00499; gnomAD 0.01076 and 0.01080; TOPMed 0.01130; gnomAD exomes 0.01456.
gnomAD v4.1: 20,471 of 1,437,344 alleles (1.4%); highest among the groups gnomAD compares: Middle Eastern, 2.3%; 186 homozygotes.

Submissions (2):

GeneDx
Classification: Likely benign. Last evaluated: 2018-06-19. Review status: criteria provided, single submitter. Criteria: GeneDx Variant Classification (06012015). Collection method: clinical testing. Allele origin: germline. Affected: yes.
Comment: This variant is considered likely benign or benign based on one or more of the following criteria: it is a conservative change, it occurs at a poorly conserved position in the protein, it is predicted to be benign by multiple in silico algorithms, and/or has population frequency not consistent with disease.

Breakthrough Genomics
Classification: Likely benign. Review status: criteria provided, single submitter. Criteria: ACMG Guidelines, 2015. Collection method: not provided. Allele origin: germline. Inheritance: Autosomal dominant inheritance. Affected: yes.